The following is an entry in ClinVar:

NM_024580.6(EFL1):c.2249C>A (p.Thr750Lys)

Gene: EFL1 (elongation factor like GTPase 1; minus strand). Cytogenetic location: 15q25.2.
Variant type: single nucleotide variant.
Coding change: c.2249C>A on transcript NM_024580.6 (MANE Select); coding-DNA position 2249, C replaced by A.
Protein change: p.Thr750Lys; replaces threonine 750 with lysine.
Molecular consequence: missense variant. On other transcripts: non-coding transcript variant (1).
Genome position (GRCh38, 1-based): chr15:82,152,205, G>T on the plus strand (C>A on the coding strand, the complement: EFL1 is on the minus strand). VCF-style: chr15-82152205-G-T. GRCh37 (hg19) VCF-style: chr15-82444546-G-T.
Other names: c.2096C>A, p.Thr699Lys (NM_001040610.3); c.1460C>A, p.Thr487Lys (NM_001322844.2); c.2249C>A, p.Thr750Lys (NM_001322845.2); short protein forms T487K, T750K, T699K.
Identifiers: ClinVar variation 1392175 (VCV001392175.3), dbSNP rs200932900, ClinGen allele CA7697780.

ClinVar aggregate classification (germline): Uncertain significance (1 of 4 stars; one submission).

gnomAD v4.1: 41 of 1,614,056 alleles (0.0025%); highest among the groups gnomAD compares: Non-Finnish European, 0.0031%; no homozygotes.

Submission:

Labcorp Genetics (formerly Invitae), Labcorp
Classification: Uncertain significance. Last evaluated: 2021-09-15. Review status: criteria provided, single submitter. Criteria: Invitae Variant Classification Sherloc (09022015). Collection method: clinical testing. Allele origin: germline.
Comment: This sequence change replaces threonine with lysine at codon 750 of the EFL1 protein (p.Thr750Lys). The threonine residue is highly conserved and there is a moderate physicochemical difference between threonine and lysine. This variant is present in population databases (rs200932900, ExAC 0.01%). This variant has not been reported in the literature in individuals affected with EFL1-related conditions. Algorithms developed to predict the effect of missense changes on protein structure and function are either unavailable or do not agree on the potential impact of this missense change (SIFT: "Deleterious"; PolyPhen-2: "Benign"; Align-GVGD: "Class C0"). In summary, the available evidence is currently insufficient to determine the role of this variant in disease. Therefore, it has been classified as a Variant of Uncertain Significance.